The following is an entry in ClinVar:

ClinVar aggregate classification (germline): Uncertain significance. Review status: criteria provided, multiple submitters, no conflicts (2 of 4 stars). 2 submissions from 2 submitters: Uncertain significance (2). Last evaluated 2025-03-07.

Conditions:
Inborn genetic diseases. Identifiers: MedGen C0950123, MeSH D030342.
Fanconi anemia (FA). Also called: Fanconi's anemia. Identifiers: Orphanet 84, MedGen C0015625, MeSH D005199, MONDO:0019391.

Submissions (2):

Ambry Genetics
Classification: Uncertain significance for Inborn genetic diseases. Last evaluated: 2025-03-07. Review status: criteria provided, single submitter. Criteria: Ambry Variant Classification Scheme 2023. Collection method: clinical testing. Allele origin: germline.
Comment: The p.V1111I variant (also known as c.3331G>A), located in coding exon 14 of the FANCM gene, results from a G to A substitution at nucleotide position 3331. The valine at codon 1111 is replaced by isoleucine, an amino acid with highly similar properties. This amino acid position is conserved. In addition, this alteration is predicted to be tolerated by in silico analysis. Based on the available evidence, the clinical significance of this variant remains unclear.

Labcorp Genetics (formerly Invitae), Labcorp
Classification: Uncertain significance for Fanconi anemia. Last evaluated: 2022-07-11. Review status: criteria provided, single submitter. Criteria: Invitae Variant Classification Sherloc (09022015). Collection method: clinical testing. Allele origin: germline.
Comment: In summary, the available evidence is currently insufficient to determine the role of this variant in disease. Therefore, it has been classified as a Variant of Uncertain Significance. Algorithms developed to predict the effect of missense changes on protein structure and function output the following: SIFT: "Tolerated"; PolyPhen-2: "Benign"; Align-GVGD: "Class C0". The isoleucine amino acid residue is found in multiple mammalian species, which suggests that this missense change does not adversely affect protein function. This variant has not been reported in the literature in individuals affected with FANCM-related conditions. This variant is not present in population databases (gnomAD no frequency). This sequence change replaces valine, which is neutral and non-polar, with isoleucine, which is neutral and non-polar, at codon 1111 of the FANCM protein (p.Val1111Ile).

NM_020937.4(FANCM):c.3331G>A (p.Val1111Ile)

Gene: FANCM (FA complementation group M; plus strand). Cytogenetic location: 14q21.2.
Variant type: single nucleotide variant.
Coding change: c.3331G>A on transcript NM_020937.4 (MANE Select); coding-DNA position 3331, G replaced by A.
Protein change: p.Val1111Ile; replaces valine 1111 with isoleucine.
Molecular consequence: missense variant.
Genome position (GRCh38, 1-based): chr14:45,176,085, G>A. VCF-style: chr14-45176085-G-A. GRCh37 (hg19) VCF-style: chr14-45645288-G-A.
Other names: c.3253G>A, p.Val1085Ile (NM_001308133.2); short protein forms V1085I, V1111I.
Identifiers: ClinVar variation 2144586 (VCV002144586.5), dbSNP rs2503189788, ClinGen allele CA389601074.